The following is an entry in ClinVar:

NM_000368.5(TSC1):c.1265A>G (p.Glu422Gly)

Gene: TSC1 (TSC complex subunit 1; minus strand). Cytogenetic location: 9q34.13.
Variant type: single nucleotide variant.
Coding change: c.1265A>G on transcript NM_000368.5 (MANE Select); coding-DNA position 1265, A replaced by G.
Protein change: p.Glu422Gly; replaces glutamic acid 422 with glycine.
Molecular consequence: missense variant.
Genome position (GRCh38, 1-based): chr9:132,907,369, T>C on the plus strand (A>G on the coding strand, the complement: TSC1 is on the minus strand). VCF-style: chr9-132907369-T-C. GRCh37 (hg19) VCF-style: chr9-135782756-T-C.
Other names: c.1262A>G, p.Glu421Gly (NM_001162426.2); c.1112A>G, p.Glu371Gly (NM_001162427.2); c.902A>G, p.Glu301Gly (NM_001362177.2); short protein forms E421G, E422G, E371G, E301G.
Identifiers: ClinVar variation 1396129 (VCV001396129.6), dbSNP rs2131883216, ClinGen allele CA375366228.

ClinVar aggregate classification (germline): Uncertain significance (1 of 4 stars; one submission).

Conditions:
Tuberous sclerosis 1 (TSC1). Identifiers: Orphanet 805, MedGen C1854465, MONDO:0008612, OMIM 191100.

Submission:

Labcorp Genetics (formerly Invitae), Labcorp
Classification: Uncertain significance for Tuberous sclerosis 1. Last evaluated: 2025-08-10. Review status: criteria provided, single submitter. Criteria: Invitae Variant Classification Sherloc (09022015). Collection method: clinical testing. Allele origin: germline.
Comment: This sequence change replaces glutamic acid, which is acidic and polar, with glycine, which is neutral and non-polar, at codon 422 of the TSC1 protein (p.Glu422Gly). This variant is not present in population databases (gnomAD no frequency). This variant has not been reported in the literature in individuals affected with TSC1-related conditions. ClinVar contains an entry for this variant (Variation ID: 1396129). Invitae Evidence Modeling of protein sequence and biophysical properties (such as structural, functional, and spatial information, amino acid conservation, physicochemical variation, residue mobility, and thermodynamic stability) indicates that this missense variant is not expected to disrupt TSC1 protein function with a negative predictive value of 95%. In summary, the available evidence is currently insufficient to determine the role of this variant in disease. Therefore, it has been classified as a Variant of Uncertain Significance.